The following is an entry in ClinVar:

NM_004714.3(DYRK1B):c.929A>C (p.Glu310Ala)

Gene: DYRK1B (dual specificity tyrosine phosphorylation regulated kinase 1B; minus strand). Cytogenetic location: 19q13.2.
Variant type: single nucleotide variant.
Coding change: c.929A>C on transcript NM_004714.3 (MANE Select); coding-DNA position 929, A replaced by C.
Protein change: p.Glu310Ala; replaces glutamic acid 310 with alanine.
Molecular consequence: missense variant.
Genome position (GRCh38, 1-based): chr19:39,827,535, T>G on the plus strand (A>C on the coding strand, the complement: DYRK1B is on the minus strand). VCF-style: chr19-39827535-T-G. GRCh37 (hg19) VCF-style: chr19-40318175-T-G.
Other names: c.929A>C, p.Glu310Ala (NM_006483.3, NM_006484.3); short protein forms E310A.
Identifiers: ClinVar variation 2634164 (VCV002634164.2), dbSNP rs1011510813, ClinGen allele CA308298127.

ClinVar aggregate classification (germline): Uncertain significance (0 of 4 stars; one submission).

Conditions:
DYRK1B-related disorder. Also called: DYRK1B-related condition.

Allele frequency attached by ClinVar (database versions not stated): gnomAD exomes below 0.00001; gnomAD 0.00001.
gnomAD v4.1: 3 of 1,613,824 alleles (0.00019%); highest among the groups gnomAD compares: Admixed American, 0.0017%; no homozygotes.

Submission:

PreventionGenetics, part of Exact Sciences
Classification: Uncertain significance for DYRK1B-related condition. Last evaluated: 2024-08-06. Review status: no assertion criteria provided. Collection method: clinical testing. Allele origin: germline.
Comment: The DYRK1B c.929A>C variant is predicted to result in the amino acid substitution p.Glu310Ala. To our knowledge, this variant has not been reported in the literature or in a large population database, indicating this variant is rare. At this time, the clinical significance of this variant is uncertain due to the absence of conclusive functional and genetic evidence.